The following is an entry in ClinVar:

ClinVar aggregate classification (germline): Uncertain significance (1 of 4 stars; one submission).

Allele frequency attached by ClinVar (database versions not stated): gnomAD exomes below 0.00001.

Submission:

Labcorp Genetics (formerly Invitae), Labcorp
Classification: Uncertain significance. Last evaluated: 2025-04-07. Review status: criteria provided, single submitter. Criteria: Invitae Variant Classification Sherloc (09022015). Collection method: clinical testing. Allele origin: germline.
Comment: This sequence change creates a premature translational stop signal (p.Arg375Glyfs*47) in the ABCB6 gene. It is expected to result in an absent or disrupted protein product. However, the current clinical and genetic evidence is not sufficient to establish whether loss-of-function variants in ABCB6 cause disease. This variant is present in population databases (no rsID available, gnomAD 0.003%). This variant has not been reported in the literature in individuals affected with ABCB6-related conditions. ClinVar contains an entry for this variant (Variation ID: 1952159). In summary, the available evidence is currently insufficient to determine the role of this variant in disease. Therefore, it has been classified as a Variant of Uncertain Significance.

NM_005689.4(ABCB6):c.1123del (p.Arg375fs)

Gene: ABCB6 (ATP binding cassette subfamily B member 6 (LAN blood group); minus strand). Cytogenetic location: 2q35.
Variant type: Deletion.
Coding change: c.1123del on transcript NM_005689.4 (MANE Select); coding-DNA position 1123, one base deleted (C; older notation c.1123delC).
Protein change: p.Arg375fs; shifts the reading frame from arginine 375.
Molecular consequence: frameshift variant.
Genome position (GRCh38, 1-based): chr2:219,216,028, G deleted on the plus strand (C on the coding strand, the reverse complement: ABCB6 is on the minus strand). VCF-style (leftmost placement, unchanged base first): chr2-219216027-CG-C. GRCh37 (hg19) VCF-style: chr2-220080749-CG-C.
Other names: c.985del, p.Arg329fs (NM_001349828.2); short protein forms R375fs, R329fs.
Identifiers: ClinVar variation 1952159 (VCV001952159.5), dbSNP rs1559237724, ClinGen allele CA539842309.